The following is an entry in ClinVar:

NM_000553.6(WRN):c.221C>G (p.Ser74Ter)

Gene: WRN (WRN RecQ like helicase; plus strand). Cytogenetic location: 8p12.
Variant type: single nucleotide variant.
Coding change: c.221C>G on transcript NM_000553.6 (MANE Select); coding-DNA position 221, C replaced by G.
Protein change: p.Ser74Ter; replaces serine 74 with a stop codon.
Molecular consequence: nonsense.
Genome position (GRCh38, 1-based): chr8:31,064,300, C>G. VCF-style: chr8-31064300-C-G. GRCh37 (hg19) VCF-style: chr8-30921816-C-G.
Other names: short protein forms S74*.
Identifiers: ClinVar variation 2124537 (VCV002124537.4), dbSNP rs878854135, ClinGen allele CA370913831.

ClinVar aggregate classification (germline): Pathogenic (1 of 4 stars; one submission).

Conditions:
Werner syndrome (WRN). Identifiers: Orphanet 902, MedGen C0043119, MONDO:0010196, OMIM 277700.

Allele frequency attached by ClinVar (database versions not stated): gnomAD exomes below 0.00001; TOPMed below 0.00001.
gnomAD v4.1: 1 of 1,613,998 alleles (0.000062%); highest among the groups gnomAD compares: Non-Finnish European, 0.000085%; no homozygotes.

Submission:

Labcorp Genetics (formerly Invitae), Labcorp
Classification: Pathogenic for Werner syndrome. Last evaluated: 2022-04-11. Review status: criteria provided, single submitter. Criteria: Invitae Variant Classification Sherloc (09022015). Collection method: clinical testing. Allele origin: germline.
Comment: This sequence change creates a premature translational stop signal (p.Ser74*) in the WRN gene. It is expected to result in an absent or disrupted protein product. Loss-of-function variants in WRN are known to be pathogenic (PMID: 16673358). For these reasons, this variant has been classified as Pathogenic. Algorithms developed to predict the effect of sequence changes on RNA splicing suggest that this variant may disrupt the consensus splice site. This variant has not been reported in the literature in individuals affected with WRN-related conditions. This variant is not present in population databases (gnomAD no frequency).

Literature cited by the submitters: PubMed 16673358.